The following is an entry in ClinVar:

ClinVar aggregate classification (germline): Pathogenic (1 of 4 stars; one submission).

Submission:

Labcorp Genetics (formerly Invitae), Labcorp
Classification: Pathogenic. Last evaluated: 2023-09-21. Review status: criteria provided, single submitter. Criteria: Invitae Variant Classification Sherloc (09022015). Collection method: clinical testing. Allele origin: germline.
Comment: This variant is a gross deletion of the genomic region encompassing exon(s) 1 of the HBA1 gene, which includes the initiator codon. This deletion extends beyond the assayed region for this gene and therefore may encompass additional genes. It is expected to result in an absent or disrupted protein product. Loss-of-function variants in HBA1 are known to be pathogenic (PMID: 12393486, 27199182). This variant has not been reported in the literature in individuals affected with HBA1-related conditions. For these reasons, this variant has been classified as Pathogenic.

Literature cited by the submitters: PubMed 12393486; PubMed 27199182.

NC_000016.9:g.(?_222912)_(226810_?)del

Genes: HBA1 (hemoglobin subunit alpha 1; plus strand), HBA2 (hemoglobin subunit alpha 2; plus strand). Cytogenetic location: 16p13.3.
Variant type: Deletion.
Identifiers: ClinVar variation 2423327 (VCV002423327.4).